The following is an entry in ClinVar:

NM_144997.7(FLCN):c.1034T>A (p.Val345Asp)

Gene: FLCN (folliculin; minus strand). Cytogenetic location: 17p11.2.
Variant type: single nucleotide variant.
Coding change: c.1034T>A on transcript NM_144997.7 (MANE Select); coding-DNA position 1034, T replaced by A.
Protein change: p.Val345Asp; replaces valine 345 with aspartic acid.
Molecular consequence: missense variant.
Genome position (GRCh38, 1-based): chr17:17,219,047, A>T on the plus strand (T>A on the coding strand, the complement: FLCN is on the minus strand). VCF-style: chr17-17219047-A-T. GRCh37 (hg19) VCF-style: chr17-17122361-A-T.
Other names: c.1088T>A, p.Val363Asp (NM_001353229.2); c.1034T>A, p.Val345Asp (NM_001353230.2, NM_001353231.2); short protein forms V363D, V345D.
Identifiers: ClinVar variation 3850570 (VCV003850570.1).

ClinVar aggregate classification (germline): Uncertain significance (1 of 4 stars; one submission).

Conditions:
Hereditary cancer-predisposing syndrome. Also called: Hereditary neoplastic syndrome; Neoplastic Syndromes, Hereditary; Tumor predisposition; Hereditary Cancer Syndrome. Identifiers: Orphanet 140162, MedGen C0027672, MeSH D009386, MONDO:0015356.

Submission:

Ambry Genetics
Classification: Uncertain significance for Hereditary cancer-predisposing syndrome. Last evaluated: 2025-01-09. Review status: criteria provided, single submitter. Criteria: Ambry Variant Classification Scheme 2023. Collection method: clinical testing. Allele origin: germline.
Comment: The p.V345D variant (also known as c.1034T>A), located in coding exon 6 of the FLCN gene, results from a T to A substitution at nucleotide position 1034. The valine at codon 345 is replaced by aspartic acid, an amino acid with highly dissimilar properties. This amino acid position is conserved. In addition, this alteration is predicted to be deleterious by in silico analysis. Based on the available evidence, the clinical significance of this variant remains unclear.